The following is an entry in ClinVar:

ClinVar aggregate classification (germline): Uncertain significance (1 of 4 stars; one submission).

Conditions:
Familial cold autoinflammatory syndrome 2 (FCAS2). Identifiers: Orphanet 247868, MedGen C2673198, MONDO:0012724, OMIM 611762.

Submission:

Labcorp Genetics (formerly Invitae), Labcorp
Classification: Uncertain significance for Familial cold autoinflammatory syndrome 2. Last evaluated: 2025-03-24. Review status: criteria provided, single submitter. Criteria: Invitae Variant Classification Sherloc (09022015). Collection method: clinical testing. Allele origin: germline.
Comment: This sequence change replaces arginine, which is basic and polar, with proline, which is neutral and non-polar, at codon 561 of the NLRP12 protein (p.Arg561Pro). This variant is not present in population databases (gnomAD no frequency). This variant has not been reported in the literature in individuals affected with NLRP12-related conditions. Invitae Evidence Modeling of protein sequence and biophysical properties (such as structural, functional, and spatial information, amino acid conservation, physicochemical variation, residue mobility, and thermodynamic stability) indicates that this missense variant is expected to disrupt NLRP12 protein function with a positive predictive value of 80%. In summary, the available evidence is currently insufficient to determine the role of this variant in disease. Therefore, it has been classified as a Variant of Uncertain Significance.

NM_144687.4(NLRP12):c.1682G>C (p.Arg561Pro)

Gene: NLRP12 (NLR family pyrin domain containing 12; minus strand). Cytogenetic location: 19q13.42.
Variant type: single nucleotide variant.
Coding change: c.1682G>C on transcript NM_144687.4 (MANE Select); coding-DNA position 1682, G replaced by C.
Protein change: p.Arg561Pro; replaces arginine 561 with proline.
Molecular consequence: missense variant.
Genome position (GRCh38, 1-based): chr19:53,809,977, C>G on the plus strand (G>C on the coding strand, the complement: NLRP12 is on the minus strand). VCF-style: chr19-53809977-C-G. GRCh37 (hg19) VCF-style: chr19-54313231-C-G.
Other names: c.1682G>C, p.Arg561Pro (NM_001277126.2, NM_001277129.1); short protein forms R561P.
Identifiers: ClinVar variation 4741204 (VCV004741204.1).